The following is an entry in ClinVar:

ClinVar aggregate classification (germline): Benign/Likely benign. Review status: criteria provided, multiple submitters, no conflicts (2 of 4 stars). 2 submissions from 2 submitters: Benign (1); Likely benign (1). Last evaluated 2018-07-20.

Conditions:
DICER1-related tumor predisposition. Also called: DICER1-related pleuropulmonary blastoma cancer predisposition syndrome; DICER1 syndrome. Identifiers: Orphanet 284343, MedGen C3839822, MONDO:0100216.

Allele frequency attached by ClinVar (database versions not stated): 1000 Genomes Project 0.00300; 1000 Genomes Project 30x 0.00312; TOPMed 0.00718; gnomAD 0.00751 and 0.00789; gnomAD exomes 0.01070.
gnomAD v4.1: 7,364 of 738,194 alleles (1%); highest among the groups gnomAD compares: Non-Finnish European, 1.4%; 43 homozygotes.

Submissions (2):

GeneDx
Classification: Likely benign. Last evaluated: 2018-07-20. Review status: criteria provided, single submitter. Criteria: GeneDx Variant Classification Process June 2021. Collection method: clinical testing. Allele origin: germline. Affected: yes.

Illumina Laboratory Services, Illumina
Classification: Benign for Pleuropulmonary blastoma. Last evaluated: 2018-01-12. Review status: criteria provided, single submitter. Criteria: ICSL Variant Classification Criteria 13 December 2019. Collection method: clinical testing. Allele origin: germline.
Comment: This variant was observed in the ICSL laboratory as part of a predisposition screen in an ostensibly healthy population. It had not been previously curated by ICSL or reported in the Human Gene Mutation Database (HGMD: prior to June 1st, 2018), and was therefore a candidate for classification through an automated scoring system. Utilizing variant allele frequency, disease prevalence and penetrance estimates, and inheritance mode, an automated score was calculated to assess if this variant is too frequent to cause the disease. Based on the score and internal cut-off values, a variant classified as benign is not then subjected to further curation. The score for this variant resulted in a classification of benign for this disease.

NM_177438.3(DICER1):c.*166A>G

Gene: DICER1 (dicer 1, ribonuclease III; minus strand). Cytogenetic location: 14q32.13.
Variant type: single nucleotide variant.
Coding change: c.*166A>G on transcript NM_177438.3 (MANE Select); 166 bases downstream of the stop codon, A replaced by G.
Molecular consequence: 3 prime UTR variant.
Genome position (GRCh38, 1-based): chr14:95,090,332, T>C on the plus strand (A>G on the coding strand, the complement: DICER1 is on the minus strand). VCF-style: chr14-95090332-T-C. GRCh37 (hg19) VCF-style: chr14-95556669-T-C.
Other names: c.*282A>G (NM_001195573.1); c.*166A>G (NM_001271282.3, NM_001291628.2, NM_030621.4).
Identifiers: ClinVar variation 315097 (VCV000315097.9), dbSNP rs112795042, ClinGen allele CA10646659.